The following is an entry in ClinVar:

NM_001289808.2(CRYAB):c.383T>C (p.Val128Ala)

Gene: CRYAB (crystallin alpha B; minus strand). Cytogenetic location: 11q23.1.
Variant type: single nucleotide variant.
Coding change: c.383T>C on transcript NM_001289808.2 (MANE Select); coding-DNA position 383, T replaced by C.
Protein change: p.Val128Ala; replaces valine 128 with alanine.
Molecular consequence: missense variant.
Genome position (GRCh38, 1-based): chr11:111,908,909, A>G on the plus strand (T>C on the coding strand, the complement: CRYAB is on the minus strand). VCF-style: chr11-111908909-A-G. GRCh37 (hg19) VCF-style: chr11-111779633-A-G.
Other names: c.383T>C, p.Val128Ala (NM_001289807.1, NM_001368245.1, NM_001885.3); c.182T>C, p.Val61Ala (NM_001330379.1, NM_001368246.1); short protein forms V128A, V61A.
Identifiers: ClinVar variation 4728207 (VCV004728207.1).
Genomic context (GRCh38, chr11:111,908,909, plus strand): 5'-GGTCCATTCACAGTGAGGACCCCATCAGATGACAGGGATGAAGTAATGGTGAGAGGGTCT[A>G]CATCAGCTGGGATCCGGTATTTCCTGTGGAACTCCCTGGAGATGAAACCATGTTCATCCT-3'
Protein context (NP_001276737.1, residues 118-138): FHRKYRIPAD[Val128Ala]DPLTITSSLS

ClinVar aggregate classification (germline): Uncertain significance (1 of 4 stars; one submission).

Conditions:
Dilated cardiomyopathy 1II (CMD1II). Identifiers: Orphanet 154, MedGen C3554649, MONDO:0014073, OMIM 615184.

Submission:

Labcorp Genetics (formerly Invitae), Labcorp
Classification: Uncertain significance for Dilated cardiomyopathy 1II. Last evaluated: 2026-01-10. Review status: criteria provided, single submitter. Criteria: Invitae Variant Classification Sherloc (09022015). Collection method: clinical testing. Allele origin: germline.
Comment: This sequence change replaces valine, which is neutral and non-polar, with alanine, which is neutral and non-polar, at codon 128 of the CRYAB protein (p.Val128Ala). This variant is not present in population databases (gnomAD no frequency). This variant has not been reported in the literature in individuals affected with CRYAB-related conditions. An algorithm developed to predict the effect of missense changes on protein structure and function (PolyPhen-2) suggests that this variant is likely to be disruptive. In summary, the available evidence is currently insufficient to determine the role of this variant in disease. Therefore, it has been classified as a Variant of Uncertain Significance.